The following is an entry in ClinVar:

ClinVar aggregate classification (germline): Conflicting classifications of pathogenicity. Review status: criteria provided, conflicting classifications (1 of 4 stars). 3 submissions from 3 submitters: Likely pathogenic (1); Uncertain significance (2). Last evaluated 2023-02-01.

Conditions:
Neurodevelopmental disorder with microcephaly, seizures, and cortical atrophy. Identifiers: MedGen C4540493, MONDO:0060621, OMIM 617802.
Intellectual disability. Also called: Intellectual functioning disability; intellectual disabilities; Intellectual developmental disorder. Identifiers: MedGen C3714756, MeSH D008607, MONDO:0001071, HP:0001249.
Generalized hypotonia. Identifiers: MedGen C1858120, HP:0001290.
Elevated circulating hepatic transaminase concentration. Also called: Elevated hepatic transaminases; Elevated hepatic transaminase. Identifiers: MedGen C0235996, HP:0002910.
Delayed speech and language development. Also called: Language delay. Identifiers: MedGen C0454644, HP:0000750.
Premature birth. Identifiers: MedGen C0151526, HP:0001622.
Microcephaly. Also called: Microcephaly (disease). Identifiers: MedGen C4551563, MONDO:0001149, HP:0000252.

Allele frequency attached by ClinVar (database versions not stated): gnomAD exomes below 0.00001; TOPMed below 0.00001.
gnomAD v4.1: 6 of 1,612,964 alleles (0.00037%); highest among the groups gnomAD compares: Middle Eastern, 0.033%; no homozygotes.

Submissions (3):

CeGaT Center for Human Genetics Tuebingen
Classification: Uncertain significance. Last evaluated: 2023-02-01. Review status: criteria provided, single submitter. Criteria: CeGaT Center For Human Genetics Tuebingen Variant Classification Criteria Version 2. Collection method: clinical testing. Allele origin: germline. Affected: yes. Observed: 1 variant allele.
Comment: VARS1: PM2, PP4:Moderate

Laboratorio de Genetica e Diagnostico Molecular, Hospital Israelita Albert Einstein
Classification: Likely pathogenic for Neurodevelopmental disorder with microcephaly, seizures, and cortical atrophy. Last evaluated: 2021-08-17. Review status: criteria provided, single submitter. Criteria: ACMG Guidelines, 2015. Collection method: clinical testing. Allele origin: germline. Affected: yes.
Comment: ACMG classification criteria: PS4 supporting, PM2 moderate, PM3 moderate, PP1 supporting, BP4 supporting

Wendy Chung Laboratory, Boston Children's Hospital
Classification: Uncertain significance for Delayed speech and language development; Intellectual disability; Microcephaly; Generalized hypotonia; Premature birth; Elevated circulating hepatic transaminase concentration. Last evaluated: 2018-07-18. Review status: criteria provided, single submitter. Criteria: ACMG Guidelines, 2015. Collection method: research. Allele origin: paternal. Inheritance: Autosomal recessive inheritance. Affected: yes. Observed: 3 variant alleles, 1 heterozygote, 2 compound heterozygotes.

Literature cited by the submitters: PubMed 30275004 (cited by Wendy Chung Laboratory, Boston Children's Hospital).

NM_006295.3(VARS1):c.3214T>C (p.Phe1072Leu)

Gene: VARS1 (valyl-tRNA synthetase 1; minus strand). Cytogenetic location: 6p21.33.
Variant type: single nucleotide variant.
Coding change: c.3214T>C on transcript NM_006295.3 (MANE Select); coding-DNA position 3214, T replaced by C.
Protein change: p.Phe1072Leu; replaces phenylalanine 1072 with leucine.
Molecular consequence: missense variant.
Genome position (GRCh38, 1-based): chr6:31,779,682, A>G on the plus strand (T>C on the coding strand, the complement: VARS1 is on the minus strand). VCF-style: chr6-31779682-A-G. GRCh37 (hg19) VCF-style: chr6-31747459-A-G.
Other names: short protein forms F1072L.
Identifiers: ClinVar variation 559443 (VCV000559443.33), dbSNP rs1230283665, ClinGen allele CA363434980.